The following is an entry in ClinVar:

ClinVar aggregate classification (germline): Uncertain significance (1 of 4 stars; one submission).

Conditions:
Lynch syndrome 5 (LYNCH5). Also called: Colorectal cancer, hereditary nonpolyposis, type 5; Hereditary non-polyposis colorectal cancer, type 5. Identifiers: Orphanet 144, MedGen C1833477, MONDO:0013710, OMIM 614350. Disease mechanism: loss of function.

Submission:

KCCC/NGS Laboratory, Kuwait Cancer Control Center
Classification: Uncertain significance for Lynch syndrome 5. Last evaluated: 2024-07-31. Review status: criteria provided, single submitter. Criteria: ACMG Guidelines, 2015. Collection method: clinical testing. Allele origin: germline. Inheritance: Autosomal dominant inheritance. Affected: yes. Observed: 1 heterozygote.
Comment: This sequence change replaces glutamine acid with leucine at codon 349 of the MSH6 protein (p.Gln349Leu). This variant is not found in gnomAD genomes nor in our local database . In-silico predictions show benign computational verdict .The glutamine residue is not highly conserved . This variant has not been reported in the literature in individuals with MSH6-related conditions. Therefore, it has been classified as a Variant of Uncertain Significance.

NM_000179.3(MSH6):c.1046A>T (p.Gln349Leu)

Gene: MSH6 (mutS homolog 6; plus strand). Cytogenetic location: 2p16.3.
Variant type: single nucleotide variant.
Coding change: c.1046A>T on transcript NM_000179.3 (MANE Select); coding-DNA position 1046, A replaced by T.
Protein change: p.Gln349Leu; replaces glutamine 349 with leucine.
Molecular consequence: missense variant. On other transcripts: non-coding transcript variant (4), intron variant (1).
Genome position (GRCh38, 1-based): chr2:47,799,029, A>T. VCF-style: chr2-47799029-A-T. GRCh37 (hg19) VCF-style: chr2-48026168-A-T.
Other names: c.656A>T, p.Gln219Leu (NM_001281492.2); c.140A>T, p.Gln47Leu (NM_001281493.2, NM_001281494.2, NM_001406811.1 and 6 more transcripts); c.1142A>T, p.Gln381Leu (NM_001406795.1, NM_001406802.1); c.1046A>T, p.Gln349Leu (NM_001406796.1, NM_001406798.1, NM_001406800.1 and 4 more transcripts); c.749A>T, p.Gln250Leu (NM_001406797.1, NM_001406801.1, NM_001406805.1 and 10 more transcripts); c.521A>T, p.Gln174Leu (NM_001406799.1, NM_001406806.1, NM_001406807.1); c.968A>T, p.Gln323Leu (NM_001406804.1); c.1052A>T, p.Gln351Leu (NM_001406813.1); and 2 more; short protein forms Q174L, Q219L, Q250L, Q293L, Q323L, Q349L, Q351L, Q381L.
Identifiers: ClinVar variation 3256612 (VCV003256612.1).